The following is an entry in ClinVar:

ClinVar aggregate classification (germline): Conflicting classifications of pathogenicity. Review status: criteria provided, conflicting classifications (1 of 4 stars). 10 submissions from 9 submitters: Uncertain significance (1); Benign (8). 1 of the submissions does not count toward it. Last evaluated 2026-02-04.

Conditions:
Pancreatic beta cell agenesis with neonatal diabetes mellitus. Identifiers: MedGen C1838655, MONDO:0010813, OMIM 600089.
Permanent neonatal diabetes mellitus (PNDM). Identifiers: Orphanet 99885, MedGen C1833104, MONDO:0100164, MONDO:0011643. Disease mechanism: gain of function.
Permanent neonatal diabetes mellitus-pancreatic and cerebellar agenesis syndrome. Also called: PANCREATIC AND CEREBELLAR AGENESIS. Identifiers: Orphanet 65288, MedGen C1836780, MONDO:0012192, OMIM 609069.
Pancreatic agenesis 2 (PAGEN2). Also called: PANCREATIC HYPOPLASIA, CONGENITAL 2. Identifiers: Orphanet 2805, MedGen C4014737, MONDO:0014406, OMIM 615935.

Allele frequency attached by ClinVar (database versions not stated): ESP Exome Variant Server 0.51076; gnomAD 0.51842; TOPMed 0.54157; 1000 Genomes Project 30x 0.61743; 1000 Genomes Project 0.62440.

Submissions (10):

Labcorp Genetics (formerly Invitae), Labcorp
Classification: Benign. Last evaluated: 2026-02-04. Review status: criteria provided, single submitter. Criteria: Invitae Variant Classification Sherloc (09022015). Collection method: clinical testing. Allele origin: germline.

Blueprint Genetics
Classification: Benign. Last evaluated: 2024-11-27. Review status: criteria provided, single submitter. Criteria: ACMG Guidelines, 2015. Collection method: clinical testing. Allele origin: germline.

Genome-Nilou Lab
Classification: Benign for Pancreatic agenesis 2. Last evaluated: 2021-11-07. Review status: criteria provided, single submitter. Criteria: ACMG Guidelines, 2015. Collection method: clinical testing. Allele origin: germline. Affected: no.

Genome-Nilou Lab
Classification: Benign for Permanent neonatal diabetes mellitus-pancreatic and cerebellar agenesis syndrome. Last evaluated: 2021-11-07. Review status: criteria provided, single submitter. Criteria: ACMG Guidelines, 2015. Collection method: clinical testing. Allele origin: germline. Affected: no.

Mendelics
Classification: Benign for Permanent neonatal diabetes mellitus 1. Last evaluated: 2019-05-28. Review status: criteria provided, single submitter. Criteria: Mendelics Assertion Criteria 2017. Collection method: clinical testing. Allele origin: unknown.

GeneDx
Classification: Benign. Last evaluated: 2018-11-12. Review status: criteria provided, single submitter. Criteria: GeneDx Variant Classification Process June 2021. Collection method: clinical testing. Allele origin: germline. Affected: yes.

Illumina Laboratory Services, Illumina
Classification: Benign for Permanent neonatal diabetes mellitus-pancreatic and cerebellar agenesis syndrome. Last evaluated: 2018-01-13. Review status: criteria provided, single submitter. Criteria: ICSL Variant Classification Criteria 13 December 2019. Collection method: clinical testing. Allele origin: germline.
Comment: This variant was observed in the ICSL laboratory as part of a predisposition screen in an ostensibly healthy population. It had not been previously curated by ICSL or reported in the Human Gene Mutation Database (HGMD: prior to June 1st, 2018), and was therefore a candidate for classification through an automated scoring system. Utilizing variant allele frequency, disease prevalence and penetrance estimates, and inheritance mode, an automated score was calculated to assess if this variant is too frequent to cause the disease. Based on the score and internal cut-off values, a variant classified as benign is not then subjected to further curation. The score for this variant resulted in a classification of benign for this disease.

Breakthrough Genomics
Classification: Benign. Review status: criteria provided, single submitter. Criteria: ACMG Guidelines, 2015. Collection method: not provided. Allele origin: germline. Inheritance: Autosomal recessive inheritance. Affected: yes.

Clinical Genomics, Uppaluri K&H Personalized Medicine Clinic
Classification: Uncertain significance for Pancreatic beta cell agenesis with neonatal diabetes mellitus. Review status: criteria provided, single submitter. Criteria: K & H Uppaluri Personalized Medicine Clinic Variant Classification & Assertion Criteria_Updated V.1. Collection method: research. Allele origin: unknown.
Comment: PTF1A gene is associated with neonatal onset diabetes due to pancreatic aplasia, leading to insulin dependence. It is associated with extra pancreatic manifestation of neurological impairment. However, more evidence is required to ascertain the the role of this particular variant rs7918487 in neonatal diabetes.

Genetic Services Laboratory, University of Chicago
Classification: Likely benign for AllHighlyPenetrant. Review status: no assertion criteria provided. Collection method: clinical testing. Allele origin: germline. Inheritance: Autosomal recessive inheritance. Not counted in ClinVar's aggregate classification.
Comment: Likely benign based on allele frequency in 1000 Genomes Project or ESP global frequency and its presence in a patient with a rare or unrelated disease phenotype. NOT Sanger confirmed.

Literature cited by the submitters: PubMed 18591390 (cited by Clinical Genomics, Uppaluri K&H Personalized Medicine Clinic); DOI 10.5812/ijp.114059 (cited by Clinical Genomics, Uppaluri K&H Personalized Medicine Clinic).

NM_178161.3(PTF1A):c.787T>C (p.Ser263Pro)

Gene: PTF1A (pancreas associated transcription factor 1a; plus strand). Cytogenetic location: 10p12.2.
Variant type: single nucleotide variant.
Coding change: c.787T>C on transcript NM_178161.3 (MANE Select); coding-DNA position 787, T replaced by C.
Protein change: p.Ser263Pro; replaces serine 263 with proline.
Molecular consequence: missense variant.
Genome position (GRCh38, 1-based): chr10:23,193,706, T>C. VCF-style: chr10-23193706-T-C. GRCh37 (hg19) VCF-style: chr10-23482635-T-C.
Other names: short protein forms S263P.
Identifiers: ClinVar variation 130055 (VCV000130055.24), dbSNP rs7918487, ClinGen allele CA154815.